The following is an entry in ClinVar:

NM_139319.3(SLC17A8):c.653G>A (p.Arg218Gln)

Gene: SLC17A8 (solute carrier family 17 member 8; plus strand). Cytogenetic location: 12q23.1.
Variant type: single nucleotide variant.
Coding change: c.653G>A on transcript NM_139319.3 (MANE Select); coding-DNA position 653, G replaced by A.
Protein change: p.Arg218Gln; replaces arginine 218 with glutamine.
Molecular consequence: missense variant.
Genome position (GRCh38, 1-based): chr12:100,396,394, G>A. VCF-style: chr12-100396394-G-A. GRCh37 (hg19) VCF-style: chr12-100790172-G-A.
Other names: c.653G>A, p.Arg218Gln (NM_001145288.2); short protein forms R218Q.
Identifiers: ClinVar variation 3796691 (VCV003796691.2).

ClinVar aggregate classification (germline): Uncertain significance. Review status: criteria provided, multiple submitters, no conflicts (2 of 4 stars). 3 submissions from 3 submitters: Uncertain significance (3). Last evaluated 2025-10-13.

Conditions:
Inborn genetic diseases. Identifiers: MedGen C0950123, MeSH D030342.
Autosomal dominant nonsyndromic hearing loss 25. Identifiers: Orphanet 90635, MedGen C1854158, MONDO:0011568, OMIM 605583.

gnomAD v4.1: 35 of 1,613,866 alleles (0.0022%); highest among the groups gnomAD compares: Admixed American, 0.0033%; no homozygotes.

Submissions (3):

Labcorp Genetics (formerly Invitae), Labcorp
Classification: Uncertain significance. Last evaluated: 2025-10-13. Review status: criteria provided, single submitter. Criteria: Invitae Variant Classification Sherloc (09022015). Collection method: clinical testing. Allele origin: germline.
Comment: This sequence change replaces arginine, which is basic and polar, with glutamine, which is neutral and polar, at codon 218 of the SLC17A8 protein (p.Arg218Gln). This variant is present in population databases (no rsID available, gnomAD 0.003%). This variant has not been reported in the literature in individuals affected with SLC17A8-related conditions. ClinVar contains an entry for this variant (Variation ID: 3796691). Invitae Evidence Modeling of protein sequence and biophysical properties (such as structural, functional, and spatial information, amino acid conservation, physicochemical variation, residue mobility, and thermodynamic stability) indicates that this missense variant is not expected to disrupt SLC17A8 protein function with a negative predictive value of 80%. In summary, the available evidence is currently insufficient to determine the role of this variant in disease. Therefore, it has been classified as a Variant of Uncertain Significance.

Ambry Genetics
Classification: Uncertain significance for Inborn genetic diseases. Last evaluated: 2025-01-19. Review status: criteria provided, single submitter. Criteria: Ambry Variant Classification Scheme 2023. Collection method: clinical testing. Allele origin: germline.

Department of Pathology and Laboratory Medicine, Sinai Health System
Classification: Uncertain significance for Autosomal dominant nonsyndromic hearing loss 25. Last evaluated: 2023-05-30. Review status: criteria provided, single submitter. Criteria: ACMG Guidelines, 2015. Collection method: research. Allele origin: germline.